The following is an entry in ClinVar:

ClinVar aggregate classification (germline): Likely benign (1 of 4 stars; one submission).

Allele frequency attached by ClinVar (database versions not stated): ExAC 0.00001; TOPMed 0.00002; gnomAD 0.00003; gnomAD exomes 0.00004.
gnomAD v4.1: 48 of 1,204,347 alleles (0.004%); highest among the groups gnomAD compares: South Asian, 0.012%; no homozygotes.

Submission:

CeGaT Center for Human Genetics Tuebingen
Classification: Likely benign. Last evaluated: 2022-11-01. Review status: criteria provided, single submitter. Criteria: CeGaT Center For Human Genetics Tuebingen Variant Classification Criteria Version 2. Collection method: clinical testing. Allele origin: germline. Affected: yes. Observed: 1 variant allele.
Comment: LANCL3: BP4, BP7, BS2

NM_001170331.2(LANCL3):c.888C>T (p.Gly296=)

Gene: LANCL3 (LanC like family member 3; plus strand). Cytogenetic location: Xp21.1.
Variant type: single nucleotide variant.
Coding change: c.888C>T on transcript NM_001170331.2 (MANE Select); coding-DNA position 888, C replaced by T.
Protein change: p.Gly296=; no amino-acid change (glycine 296 retained).
Molecular consequence: synonymous variant.
Genome position (GRCh38, 1-based): chrX:37,659,652, C>T. VCF-style: chrX-37659652-C-T. GRCh37 (hg19) VCF-style: chrX-37518905-C-T.
Other names: c.888C>T, p.Gly296= (NM_198511.3).
Identifiers: ClinVar variation 2660283 (VCV002660283.24), dbSNP rs781867184, ClinGen allele CA10383429.